The following is an entry in ClinVar:

NM_004656.4(BAP1):c.1032del (p.Asn344fs)

Gene: BAP1 (BRCA1 associated deubiquitinase 1; minus strand). Cytogenetic location: 3p21.1.
Variant type: Deletion.
Coding change: c.1032del on transcript NM_004656.4 (MANE Select); coding-DNA position 1032, one base deleted (T; older notation c.1032delT).
Protein change: p.Asn344fs; shifts the reading frame from asparagine 344.
Molecular consequence: frameshift variant.
Genome position (GRCh38, 1-based): chr3:52,405,194, A deleted on the plus strand (T on the coding strand, the reverse complement: BAP1 is on the minus strand). VCF-style (leftmost placement, unchanged base first): chr3-52405193-CA-C. GRCh37 (hg19) VCF-style: chr3-52439209-CA-C.
Other names: c.978del, p.Asn326fs (NM_001410772.1); short protein forms N326fs, N344fs.
Identifiers: ClinVar variation 4826571 (VCV004826571.1).

ClinVar aggregate classification (germline): Pathogenic (1 of 4 stars; one submission).

Conditions:
Hereditary cancer-predisposing syndrome. Also called: Neoplastic Syndromes, Hereditary; Tumor predisposition; Hereditary Cancer Syndrome; Hereditary neoplastic syndrome. Identifiers: Orphanet 140162, MedGen C0027672, MeSH D009386, MONDO:0015356.

Submission:

Ambry Genetics
Classification: Pathogenic for Hereditary cancer-predisposing syndrome. Last evaluated: 2026-02-27. Review status: criteria provided, single submitter. Criteria: Ambry Variant Classification Scheme 2023. Collection method: clinical testing. Allele origin: germline.
Comment: The c.1032delT pathogenic mutation, located in coding exon 11 of the BAP1 gene, results from a deletion of one nucleotide at nucleotide position 1032, causing a translational frameshift with a predicted alternate stop codon (p.N344Kfs*18). This variant is considered to be rare based on population cohorts in the Genome Aggregation Database (gnomAD). This alteration is expected to result in loss of function by premature protein truncation or nonsense-mediated mRNA decay. As such, this alteration is interpreted as a disease-causing mutation.